The following is an entry in ClinVar:

ClinVar aggregate classification (germline): Pathogenic (1 of 4 stars; one submission).

Conditions:
Kostmann syndrome (SCN3). Also called: KOSTMANN DISEASE; Autosomal recessive severe congenital neutropenia type 3. Identifiers: Orphanet 99749, MedGen C5235141, MONDO:0012548, OMIM 610738.

Submission:

Labcorp Genetics (formerly Invitae), Labcorp
Classification: Pathogenic for Kostmann syndrome. Last evaluated: 2023-12-01. Review status: criteria provided, single submitter. Criteria: Invitae Variant Classification Sherloc (09022015). Collection method: clinical testing. Allele origin: germline.
Comment: This sequence change creates a premature translational stop signal (p.Gln163*) in the HAX1 gene. It is expected to result in an absent or disrupted protein product. Loss-of-function variants in HAX1 are known to be pathogenic (PMID: 17187068). This variant is not present in population databases (gnomAD no frequency). This variant has not been reported in the literature in individuals affected with HAX1-related conditions. ClinVar contains an entry for this variant (Variation ID: 1395898). For these reasons, this variant has been classified as Pathogenic.

Literature cited by the submitters: PubMed 17187068.

NM_006118.4(HAX1):c.487C>T (p.Gln163Ter)

Gene: HAX1 (HCLS1 associated protein X-1; plus strand). Cytogenetic location: 1q21.3.
Variant type: single nucleotide variant.
Coding change: c.487C>T on transcript NM_006118.4 (MANE Select); coding-DNA position 487, C replaced by T.
Protein change: p.Gln163Ter; replaces glutamine 163 with a stop codon.
Molecular consequence: nonsense.
Genome position (GRCh38, 1-based): chr1:154,273,944, C>T. VCF-style: chr1-154273944-C-T. GRCh37 (hg19) VCF-style: chr1-154246420-C-T.
Other names: c.343C>T, p.Gln115Ter (NM_001018837.2); short protein forms Q115*, Q163*.
Identifiers: ClinVar variation 1395898 (VCV001395898.6), dbSNP rs2149140056, ClinGen allele CA342592936.